The following is an entry in ClinVar:

ClinVar aggregate classification (germline): Uncertain significance (1 of 4 stars; one submission).

gnomAD v4.1: 2 of 1,614,160 alleles (0.00012%); highest among the groups gnomAD compares: Non-Finnish European, 0.00017%; no homozygotes.

Submission:

Labcorp Genetics (formerly Invitae), Labcorp
Classification: Uncertain significance. Last evaluated: 2021-12-21. Review status: criteria provided, single submitter. Criteria: Invitae Variant Classification Sherloc (09022015). Collection method: clinical testing. Allele origin: germline.
Comment: This sequence change replaces methionine, which is neutral and non-polar, with threonine, which is neutral and polar, at codon 266 of the PUS1 protein (p.Met266Thr). This variant is not present in population databases (gnomAD no frequency). This variant has not been reported in the literature in individuals affected with PUS1-related conditions. Algorithms developed to predict the effect of missense changes on protein structure and function (SIFT, PolyPhen-2, Align-GVGD) all suggest that this variant is likely to be tolerated. In summary, the available evidence is currently insufficient to determine the role of this variant in disease. Therefore, it has been classified as a Variant of Uncertain Significance.

NM_025215.6(PUS1):c.797T>C (p.Met266Thr)

Gene: PUS1 (pseudouridine synthase 1; plus strand). Cytogenetic location: 12q24.33.
Variant type: single nucleotide variant.
Coding change: c.797T>C on transcript NM_025215.6 (MANE Select); coding-DNA position 797, T replaced by C.
Protein change: p.Met266Thr; replaces methionine 266 with threonine.
Molecular consequence: missense variant.
Genome position (GRCh38, 1-based): chr12:131,941,544, T>C. VCF-style: chr12-131941544-T-C. GRCh37 (hg19) VCF-style: chr12-132426089-T-C.
Other names: c.713T>C, p.Met238Thr (NM_001002019.3, NM_001002020.3); short protein forms M238T, M266T.
Identifiers: ClinVar variation 1902955 (VCV001902955.2), dbSNP rs1593296460, ClinGen allele CA387299200.